The following is an entry in ClinVar:

NM_000216.4(ANOS1):c.2036G>T (p.Arg679Ile)

Gene: ANOS1 (anosmin 1; minus strand). Cytogenetic location: Xp22.31.
Variant type: single nucleotide variant.
Coding change: c.2036G>T on transcript NM_000216.4 (MANE Select); coding-DNA position 2036, G replaced by T.
Protein change: p.Arg679Ile; replaces arginine 679 with isoleucine.
Molecular consequence: missense variant.
Genome position (GRCh38, 1-based): chrX:8,533,002, C>A on the plus strand (G>T on the coding strand, the complement: ANOS1 is on the minus strand). VCF-style: chrX-8533002-C-A. GRCh37 (hg19) VCF-style: chrX-8501043-C-A.
Other names: short protein forms R679I.
Identifiers: ClinVar variation 4715892 (VCV004715892.1).
Genomic context (GRCh38, chrX:8,533,002, plus strand): 5'-AAGTTCAACAAGCTTACACATCTGTGCAATTTCACAAAATCTTTTTGAACAGTTTAGTAT[C>A]TTTCTGGAGAAGGCTTGTAATGATGTGGATGACGATGCTTAAGATGAGATCCTAAAAAGT-3'
Protein context (NP_000207.2, residues 669-680): HPHHYKPSPE[Arg679Ile]Y

ClinVar aggregate classification (germline): Uncertain significance (1 of 4 stars; one submission).

Conditions:
Hypogonadotropic hypogonadism 1 with or without anosmia (HH1). Also called: Kallmann syndrome, type 1, X-linked; DYSPLASIA OLFACTOGENITALIS OF DE MORSIER; HYPOGONADOTROPIC HYPOGONADISM 1 WITH ANOSMIA; KAL1-Related GnRH Deficiency (Kallmann Syndrome 1; Kallmann Syndrome, X-Linked); Hypogonadotropic hypogonadism 1 with or without anosmia (Kallmann syndrome 1); HYPOGONADOTROPIC HYPOGONADISM AND ANOSMIA. Identifiers: Orphanet 478, MedGen C1563719, MONDO:0010635, OMIM 308700. Disease mechanism: loss of function.

Submission:

Labcorp Genetics (formerly Invitae), Labcorp
Classification: Uncertain significance for Hypogonadotropic hypogonadism 1 with or without anosmia. Last evaluated: 2025-11-02. Review status: criteria provided, single submitter. Criteria: Invitae Variant Classification Sherloc (09022015). Collection method: clinical testing. Allele origin: germline.
Comment: This sequence change replaces arginine, which is basic and polar, with isoleucine, which is neutral and non-polar, at codon 679 of the ANOS1 protein (p.Arg679Ile). The frequency data for this variant in the population databases is considered unreliable, as metrics indicate poor data quality at this position in the gnomAD database. This variant has not been reported in the literature in individuals affected with ANOS1-related conditions. An algorithm developed to predict the effect of missense changes on protein structure and function (PolyPhen-2) suggests that this variant is likely to be disruptive. In summary, the available evidence is currently insufficient to determine the role of this variant in disease. Therefore, it has been classified as a Variant of Uncertain Significance.